The following is an entry in ClinVar:

ClinVar aggregate classification (germline): Likely benign (0 of 4 stars; one submission).

Conditions:
POU6F2-related disorder. Also called: POU6F2-related condition.

Allele frequency attached by ClinVar (database versions not stated): 1000 Genomes Project 30x 0.00031; 1000 Genomes Project 0.00180.

Submission:

PreventionGenetics, part of Exact Sciences
Classification: Likely benign for POU6F2-related condition. Last evaluated: 2023-05-04. Review status: no assertion criteria provided. Collection method: clinical testing. Allele origin: germline.
Comment: This variant is classified as likely benign based on ACMG/AMP sequence variant interpretation guidelines (Richards et al. 2015 PMID: 25741868, with internal and published modifications).

NM_001370959.1(POU6F2):c.638T>A (p.Leu213His)

Gene: POU6F2 (POU class 6 homeobox 2; plus strand). Cytogenetic location: 7p14.1.
Variant type: single nucleotide variant.
Coding change: c.638T>A on transcript NM_001370959.1 (MANE Select); coding-DNA position 638, T replaced by A.
Protein change: p.Leu213His; replaces leucine 213 with histidine.
Molecular consequence: missense variant.
Genome position (GRCh38, 1-based): chr7:39,339,681, T>A. VCF-style: chr7-39339681-T-A. GRCh37 (hg19) VCF-style: chr7-39379280-T-A.
Other names: c.551T>A, p.Leu184His (NM_001166018.2, NM_007252.4); short protein forms L184H, L213H.
Identifiers: ClinVar variation 3057617 (VCV003057617.2), dbSNP rs566759150, ClinGen allele CA4227574.
Genomic context (GRCh38, chr7:39,339,681, plus strand): 5'-ATTCGCTTTCTCTCCTTGTAGCTACCTCATCCCTGAACTCCCAGCTCCAGCAGCTCCAGC[T>A]CCAGCTCCAGCAGCAGCAGCAGCAGCAGCAGCAGCAGCCTCCCCCGTCAACCAACCAGCA-3'
Protein context (NP_001357888.1, residues 203-223): SLNSQLQQLQ[Leu213His]QLQQQQQQQQ